The following is an entry in ClinVar:

NM_000038.6(APC):c.3381G>T (p.Gln1127His)

Gene: APC (APC regulator of Wnt signaling pathway; plus strand). Cytogenetic location: 5q22.2.
Variant type: single nucleotide variant.
Coding change: c.3381G>T on transcript NM_000038.6 (MANE Select); coding-DNA position 3381, G replaced by T.
Protein change: p.Gln1127His; replaces glutamine 1127 with histidine.
Molecular consequence: missense variant.
Genome position (GRCh38, 1-based): chr5:112,838,975, G>T. VCF-style: chr5-112838975-G-T. GRCh37 (hg19) VCF-style: chr5-112174672-G-T.
Other names: c.3381G>T, p.Gln1127His (NM_001127510.3, NM_001354895.2); c.3327G>T, p.Gln1109His (NM_001127511.3); c.3435G>T, p.Gln1145His (NM_001354896.2); c.3411G>T, p.Gln1137His (NM_001354897.2); c.3306G>T, p.Gln1102His (NM_001354898.2); c.3297G>T, p.Gln1099His (NM_001354899.2); c.3258G>T, p.Gln1086His (NM_001354900.2); c.3204G>T, p.Gln1068His (NM_001354901.2); and 5 more; short protein forms Q1109H, Q1127H, Q1086H, Q1026H, Q1036H, Q1102H, Q1145H, Q844H.
Identifiers: ClinVar variation 573701 (VCV000573701.10), dbSNP rs1554084977, ClinGen allele CA16028742.

ClinVar aggregate classification (germline): Uncertain significance (1 of 4 stars; one submission).

Conditions:
Familial adenomatous polyposis 1 (FAP1). Also called: POLYPOSIS, ADENOMATOUS INTESTINAL; FAMILIAL ADENOMATOUS POLYPOSIS 1, ATTENUATED. Identifiers: MedGen C2713442, MONDO:0021056, OMIM 175100. Disease mechanism: loss of function.

Submission:

Labcorp Genetics (formerly Invitae), Labcorp
Classification: Uncertain significance for Familial adenomatous polyposis 1. Last evaluated: 2018-02-17. Review status: criteria provided, single submitter. Criteria: Invitae Variant Classification Sherloc (09022015). Collection method: clinical testing. Allele origin: germline.
Comment: This variant is not present in population databases (ExAC no frequency). In summary, the available evidence is currently insufficient to determine the role of this variant in disease. Therefore, it has been classified as a Variant of Uncertain Significance. Algorithms developed to predict the effect of missense changes on protein structure and function (SIFT, PolyPhen-2, Align-GVGD) all suggest that this variant is likely to be tolerated, but these predictions have not been confirmed by published functional studies and their clinical significance is uncertain. This variant has not been reported in the literature in individuals with APC-related disease. This sequence change replaces glutamine with histidine at codon 1127 of the APC protein (p.Gln1127His). The glutamine residue is moderately conserved and there is a small physicochemical difference between glutamine and histidine.